The following is an entry in ClinVar:

ClinVar aggregate classification (germline): Pathogenic (1 of 4 stars; one submission).

Conditions:
Fanconi anemia (FA). Also called: Fanconi's anemia. Identifiers: Orphanet 84, MedGen C0015625, MeSH D005199, MONDO:0019391.

Submission:

Labcorp Genetics (formerly Invitae), Labcorp
Classification: Pathogenic for Fanconi anemia. Last evaluated: 2026-01-08. Review status: criteria provided, single submitter. Criteria: Invitae Variant Classification Sherloc (09022015). Collection method: clinical testing. Allele origin: germline.
Comment: This sequence change creates a premature translational stop signal (p.Leu713Tyrfs*47) in the FANCM gene. It is expected to result in an absent or disrupted protein product. Loss-of-function variants in FANCM are known to be pathogenic (PMID: 29895858, 30075111). This variant is not present in population databases (gnomAD no frequency). This variant has not been reported in the literature in individuals affected with FANCM-related conditions. ClinVar contains an entry for this variant (Variation ID: 1352751). For these reasons, this variant has been classified as Pathogenic.

Literature cited by the submitters: PubMed 29895858; PubMed 30075111.

NM_020937.4(FANCM):c.2138del (p.Leu713fs)

Gene: FANCM (FA complementation group M; plus strand). Cytogenetic location: 14q21.2.
Variant type: Deletion.
Coding change: c.2138del on transcript NM_020937.4 (MANE Select); coding-DNA position 2138, one base deleted (T; older notation c.2138delT).
Protein change: p.Leu713fs; shifts the reading frame from leucine 713.
Molecular consequence: frameshift variant.
Genome position (GRCh38, 1-based): chr14:45,170,724, T deleted; the last of 3 consecutive T bases (chr14:45,170,722-45,170,724); deleting any one gives the same sequence. VCF-style (leftmost placement, unchanged base first): chr14-45170721-CT-C. GRCh37 (hg19) VCF-style: chr14-45639924-CT-C.
Other names: c.2060del, p.Leu687fs (NM_001308133.2); short protein forms L687fs, L713fs.
Identifiers: ClinVar variation 1352751 (VCV001352751.6), dbSNP rs1594792135, ClinGen allele CA919408193.